The following is an entry in ClinVar:

NM_001002294.3(FMO3):c.972T>A (p.Cys324Ter)

Gene: FMO3 (flavin containing dimethylaniline monoxygenase 3; plus strand). Cytogenetic location: 1q24.3.
Variant type: single nucleotide variant.
Coding change: c.972T>A on transcript NM_001002294.3 (MANE Select); coding-DNA position 972, T replaced by A.
Protein change: p.Cys324Ter; replaces cysteine 324 with a stop codon.
Molecular consequence: nonsense.
Genome position (GRCh38, 1-based): chr1:171,114,151, T>A. VCF-style: chr1-171114151-T-A. GRCh37 (hg19) VCF-style: chr1-171083291-T-A.
Other names: c.912T>A, p.Cys304Ter (NM_001319173.2); c.783T>A, p.Cys261Ter (NM_001319174.2); c.972T>A, p.Cys324Ter (NM_006894.6); short protein forms C261*, C304*, C324*.
Identifiers: ClinVar variation 5016276 (VCV005016276.1).

ClinVar aggregate classification (germline): Pathogenic (1 of 4 stars; one submission).

Conditions:
Trimethylaminuria (TMAU). Also called: FISH-ODOR SYNDROME; Fish malodor syndrome; Stale fish syndrome; TMAuria; Primary Trimethylaminuria. Identifiers: MedGen C0342739, MONDO:0011182, OMIM 602079, HP:0003614. Disease mechanism: loss of function.

Submission:

Myriad Genetics, Inc.
Classification: Pathogenic for Trimethylaminuria. Last evaluated: 2026-08-25. Review status: criteria provided, single submitter. Criteria: Myriad Autosomal Dominant, Autosomal Recessive and X-Linked Classification Criteria (2023). Collection method: clinical testing. Allele origin: unknown.
Comment: NM_001002294.2(FMO3):c.972T>A(C324*) is expected to be pathogenic in the context of primary trimethylaminuria. This variant is predicted to lead to an abnormal or absent protein product due to the creation of a premature termination codon in FMO3, a gene where loss-of-function variants are known to be pathogenic. Please note: this variant was assessed in the context of healthy population screening.